The following is an entry in ClinVar:

NM_001204.7(BMPR2):c.2899T>G (p.Ser967Ala)

Gene: BMPR2 (bone morphogenetic protein receptor type 2; plus strand). Cytogenetic location: 2q33.2.
Variant type: single nucleotide variant.
Coding change: c.2899T>G on transcript NM_001204.7 (MANE Select); coding-DNA position 2899, T replaced by G.
Protein change: p.Ser967Ala; replaces serine 967 with alanine.
Molecular consequence: missense variant.
Genome position (GRCh38, 1-based): chr2:202,559,728, T>G. VCF-style: chr2-202559728-T-G. GRCh37 (hg19) VCF-style: chr2-203424451-T-G.
Other names: short protein forms S967A.
Identifiers: ClinVar variation 3824946 (VCV003824946.1).

ClinVar aggregate classification (germline): Uncertain significance (1 of 4 stars; one submission).

Conditions:
Inborn genetic diseases. Identifiers: MedGen C0950123, MeSH D030342.

Submission:

Ambry Genetics
Classification: Uncertain significance for Inborn genetic diseases. Last evaluated: 2025-03-04. Review status: criteria provided, single submitter. Criteria: Ambry Variant Classification Scheme 2023. Collection method: clinical testing. Allele origin: germline.
Comment: The p.S967A variant (also known as c.2899T>G), located in coding exon 13 of the BMPR2 gene, results from a T to G substitution at nucleotide position 2899. The serine at codon 967 is replaced by alanine, an amino acid with similar properties. This amino acid position is conserved. In addition, this alteration is predicted to be tolerated by in silico analysis. Based on the available evidence, the clinical significance of this variant remains unclear.